The following is an entry in ClinVar:

ClinVar aggregate classification (germline): Uncertain significance. Review status: criteria provided, multiple submitters, no conflicts (2 of 4 stars). 10 submissions from 10 submitters: Uncertain significance (8). 2 of the submissions do not count toward it. Last evaluated 2025-08-27.

Conditions:
Hypertrophic cardiomyopathy 1 (CMH1). Also called: Familial hypertrophic cardiomyopathy 1; MYH7-Related Familial Hypertrophic Cardiomyopathy. Identifiers: MedGen C3495498, MONDO:0008647, OMIM 192600.
Rippling muscle disease 2 (RMD2). Also called: Limb-girdle muscular dystrophy, type 1C; CAV3-Related Rippling Muscle Disease. Identifiers: Orphanet 265, MedGen C1832560, MONDO:0019947, OMIM 606072.
Elevated circulating creatine kinase activity. Also called: Elevated serum creatine phosphokinase; Elevated creatine kinase; Elevated circulating creatine kinase concentration. Identifiers: MedGen C0241005, HP:0003236.
Long QT syndrome 9 (LQT9). Identifiers: Orphanet 101016, Orphanet 768, MedGen C2678485, MONDO:0012736, OMIM 611818.
Distal myopathy, Tateyama type (MPDT). Also called: CAV3-Related Distal Myopathy. Identifiers: Orphanet 488650, MedGen C3280443, MONDO:0013686, OMIM 614321.
Cardiovascular phenotype. Identifiers: MedGen CN230736.
Long QT syndrome (LQTS). Identifiers: MedGen C0023976, MeSH D008133, MONDO:0002442. Disease mechanism: loss of function. Inheritance: Various modes of inheritance.

Allele frequency attached by ClinVar (database versions not stated): gnomAD exomes below 0.00001 and 0.00003; TOPMed 0.00002; gnomAD 0.00003; ESP Exome Variant Server 0.00008.
gnomAD v4.1: 47 of 1,612,816 alleles (0.0029%); highest among the groups gnomAD compares: Non-Finnish European, 0.0036%; no homozygotes.

Submissions (10):

Ambry Genetics
Classification: Uncertain significance for Cardiovascular phenotype. Last evaluated: 2025-08-27. Review status: criteria provided, single submitter. Criteria: Ambry Variant Classification Scheme 2023. Collection method: clinical testing. Allele origin: germline.

Labcorp Genetics (formerly Invitae), Labcorp
Classification: Uncertain significance for Long QT syndrome. Last evaluated: 2024-12-18. Review status: criteria provided, single submitter. Criteria: Invitae Variant Classification Sherloc (09022015). Collection method: clinical testing. Allele origin: germline.
Comment: This sequence change replaces valine, which is neutral and non-polar, with methionine, which is neutral and non-polar, at codon 145 of the CAV3 protein (p.Val145Met). This variant is present in population databases (rs142475018, gnomAD 0.002%). This missense change has been observed in individual(s) with atrial fibrillation (PMID: 28837624). ClinVar contains an entry for this variant (Variation ID: 180800). An algorithm developed to predict the effect of missense changes on protein structure and function (PolyPhen-2) suggests that this variant is likely to be disruptive. In summary, the available evidence is currently insufficient to determine the role of this variant in disease. Therefore, it has been classified as a Variant of Uncertain Significance.

GeneDx
Classification: Uncertain significance. Last evaluated: 2022-05-02. Review status: criteria provided, single submitter. Criteria: GeneDx Variant Classification Process June 2021. Collection method: clinical testing. Allele origin: germline. Affected: yes.
Comment: Not observed at significant frequency in large population cohorts (gnomAD); In silico analysis supports that this missense variant does not alter protein structure/function; Identified in one patient with atrial fibrillation in the published literature (Husser et al., 2017); This variant is associated with the following publications: (PMID: El-Humeidi2014, 25630502, 28837624)

Fulgent Genetics
Classification: Uncertain significance for Creatine phosphokinase, elevated serum; Hypertrophic cardiomyopathy 1; Rippling muscle disease 2; Long QT syndrome 9; Distal myopathy, Tateyama type. Last evaluated: 2021-10-20. Review status: criteria provided, single submitter. Criteria: ACMG Guidelines, 2015. Collection method: clinical testing. Allele origin: unknown.

Mayo Clinic Laboratories, Mayo Clinic
Classification: Uncertain significance. Last evaluated: 2020-11-10. Review status: criteria provided, single submitter. Criteria: ACMG Guidelines, 2015. Collection method: clinical testing. Allele origin: germline. Observed: 1 variant allele.

Revvity Omics, Revvity
Classification: Uncertain significance. Last evaluated: 2019-11-15. Review status: criteria provided, single submitter. Criteria: ACMG Guidelines, 2015. Collection method: clinical testing. Allele origin: germline.

Eurofins Ntd Llc (ga)
Classification: Uncertain significance. Last evaluated: 2017-09-30. Review status: criteria provided, single submitter. Criteria: EGL Classification Definitions 2015. Collection method: clinical testing. Allele origin: germline. Observed: 1 variant allele, 1 heterozygote.

Athena Diagnostics
Classification: Uncertain significance. Last evaluated: 2017-07-03. Review status: criteria provided, single submitter. Criteria: Athena Diagnostics Criteria. Collection method: clinical testing. Allele origin: germline.

Clinical Genetics DNA and cytogenetics Diagnostics Lab, Erasmus MC, Erasmus Medical Center
Classification: Uncertain significance. Review status: no assertion criteria provided. Collection method: clinical testing. Allele origin: germline. Affected: yes. Study: VKGL Data-share Consensus. Not counted in ClinVar's aggregate classification.

Joint Genome Diagnostic Labs from Nijmegen and Maastricht, Radboudumc and MUMC+
Classification: Uncertain significance. Review status: no assertion criteria provided. Collection method: clinical testing. Allele origin: germline. Affected: yes. Study: VKGL Data-share Consensus. Not counted in ClinVar's aggregate classification.

Literature cited by the submitters: PubMed 28837624 (cited by Labcorp Genetics (formerly Invitae), Labcorp).

NM_033337.3(CAV3):c.433G>A (p.Val145Met)

Genes: CAV3 (caveolin 3; plus strand), OXTR (oxytocin receptor; minus strand). Cytogenetic location: 3p25.3.
Variant type: single nucleotide variant.
Coding change: c.433G>A on transcript NM_033337.3 (MANE Select); coding-DNA position 433, G replaced by A.
Protein change: p.Val145Met; replaces valine 145 with methionine.
Molecular consequence: missense variant.
Genome position (GRCh38, 1-based): chr3:8,745,844, G>A. VCF-style: chr3-8745844-G-A. GRCh37 (hg19) VCF-style: chr3-8787530-G-A.
Other names: p.V145M:GTG>ATG; c.433G>A, p.Val145Met (NM_001234.5); short protein forms V145M.
Identifiers: ClinVar variation 180800 (VCV000180800.25), dbSNP rs142475018, ClinGen allele CA295947.